The following is an entry in ClinVar:

ClinVar aggregate classification (germline): Uncertain significance (1 of 4 stars; one submission).

Conditions:
UCP3-related disorder. Also called: UCP3-related condition.

Submission:

PreventionGenetics, part of Exact Sciences
Classification: Uncertain significance for UCP3-related condition. Last evaluated: 2026-08-05. Review status: criteria provided, single submitter. Criteria: ACMG Guidelines, 2015. Collection method: clinical testing. Allele origin: germline.
Comment: The UCP3 c.619C>A variant is predicted to result in the amino acid substitution p.Leu207Met. To our knowledge, this variant has not been reported in the literature or in a large population database (gnomAD), indicating this variant is rare. At this time, the clinical significance of this variant is uncertain due to the absence of conclusive functional and genetic evidence.

NM_003356.4(UCP3):c.619C>A (p.Leu207Met)

Genes: UCP3 (uncoupling protein 3; minus strand), LOC126861261 (MED14-independent group 3 enhancer GRCh37_chr11:73715060-73716259; plus strand). Cytogenetic location: 11q13.4.
Variant type: single nucleotide variant.
Coding change: c.619C>A on transcript NM_003356.4 (MANE Select); coding-DNA position 619, C replaced by A.
Protein change: p.Leu207Met; replaces leucine 207 with methionine.
Molecular consequence: missense variant.
Genome position (GRCh38, 1-based): chr11:74,004,508, G>T on the plus strand (C>A on the coding strand, the complement: UCP3 is on the minus strand). VCF-style: chr11-74004508-G-T. GRCh37 (hg19) VCF-style: chr11-73715553-G-T.
Other names: c.619C>A, p.Leu207Met (NM_022803.3); short protein forms L207M.
Identifiers: ClinVar variation 4992907 (VCV004992907.1).